The following is an entry in ClinVar:

NM_015559.3(SETBP1):c.4224G>C (p.Gln1408His)

Gene: SETBP1 (SET binding protein 1; plus strand). Cytogenetic location: 18q12.3.
Variant type: single nucleotide variant.
Coding change: c.4224G>C on transcript NM_015559.3 (MANE Select); coding-DNA position 4224, G replaced by C.
Protein change: p.Gln1408His; replaces glutamine 1408 with histidine.
Molecular consequence: missense variant.
Genome position (GRCh38, 1-based): chr18:45,063,131, G>C. VCF-style: chr18-45063131-G-C. GRCh37 (hg19) VCF-style: chr18-42643096-G-C.
Other names: c.4224G>C, p.Gln1408His (LRG_1150t1); short protein forms Q1408H.
Identifiers: ClinVar variation 546221 (VCV000546221.3), dbSNP rs1193158632, ClinGen allele CA402482912.

ClinVar aggregate classification (germline): Uncertain significance (1 of 4 stars; one submission).

Allele frequency attached by ClinVar (database versions not stated): gnomAD 0.00001.
gnomAD v4.1: 1 of 1,613,920 alleles (0.000062%); highest among the groups gnomAD compares: African/African-American, 0.0013%; no homozygotes.

Submission:

GeneDx
Classification: Uncertain significance. Last evaluated: 2025-10-01. Review status: criteria provided, single submitter. Criteria: GeneDx Variant Classification Process June 2021. Collection method: clinical testing. Allele origin: germline. Affected: yes.
Comment: Not observed at significant frequency in large population cohorts (gnomAD); In silico analysis supports that this missense variant has a deleterious effect on protein structure/function; Has not been previously published as pathogenic or benign to our knowledge